The following is an entry in ClinVar:

NM_000501.4(ELN):c.134-1G>A

Gene: ELN (elastin; plus strand). Cytogenetic location: 7q11.23.
Variant type: single nucleotide variant.
Coding change: c.134-1G>A on transcript NM_000501.4 (MANE Select); the canonical splice acceptor site of the intron before coding-DNA position 134, G replaced by A.
Molecular consequence: splice acceptor variant. On other transcripts: intron variant (4).
Genome position (GRCh38, 1-based): chr7:74,036,554, G>A. VCF-style: chr7-74036554-G-A. GRCh37 (hg19) VCF-style: chr7-73450884-G-A.
Other names: c.134-1G>A (NM_001081754.3, NM_001081753.3, NM_001278939.2 and 5 more transcripts); c.133+1140G>A (NM_001278914.2, NM_001278917.2, NM_001081752.3 and 1 more transcripts).
Identifiers: ClinVar variation 2440030 (VCV002440030.5), dbSNP rs2484848631, ClinGen allele CA367868908.

ClinVar aggregate classification (germline): Likely pathogenic. Review status: criteria provided, multiple submitters, no conflicts (2 of 4 stars). 2 submissions from 2 submitters: Likely pathogenic (2). Last evaluated 2025-05-13.

Submissions (2):

Dasa
Classification: Likely pathogenic. Last evaluated: 2025-05-13. Review status: criteria provided, single submitter. Criteria: DASA Assertion Criteria. Collection method: clinical testing. Allele origin: germline.
Comment: NM_000501.4(ELN):c.134-1G>A affects a canonical splice site and is predicted to disrupt normal RNA splicing. Loss of function is an established disease mechanism for ELN. Also, this variant is absent from population databases. Based on the currently available evidence, this variant is classified as likely pathogenic.

Revvity Omics, Revvity
Classification: Likely pathogenic. Last evaluated: 2021-12-22. Review status: criteria provided, single submitter. Criteria: ACMG Guidelines, 2015. Collection method: clinical testing. Allele origin: germline.